The following is an entry in ClinVar:

NM_006231.4(POLE):c.4981C>T (p.Pro1661Ser)

Gene: POLE (DNA polymerase epsilon, catalytic subunit; minus strand). Cytogenetic location: 12q24.33.
Variant type: single nucleotide variant.
Coding change: c.4981C>T on transcript NM_006231.4 (MANE Select); coding-DNA position 4981, C replaced by T.
Protein change: p.Pro1661Ser; replaces proline 1661 with serine.
Molecular consequence: missense variant.
Genome position (GRCh38, 1-based): chr12:132,642,369, G>A on the plus strand (C>T on the coding strand, the complement: POLE is on the minus strand). VCF-style: chr12-132642369-G-A. GRCh37 (hg19) VCF-style: chr12-133218955-G-A.
Other names: short protein forms P1661S.
Identifiers: ClinVar variation 3660547 (VCV003660547.2).
Genomic context (GRCh38, chr12:132,642,369, plus strand): 5'-TGTGGCGCTGGAGGTGGCGGGCAAAGAAGAGGTCGGAGCCGAATGTGGAGATGTCCTCTG[G>A]TAGGTTCCCAATGGGAATGTGAAAGTACCTGCACCAGGGCACAGGTCAGCACCGGGGCAC-3'
Protein context (NP_006222.2, residues 1651-1671): RYFHIPIGNL[Pro1661Ser]EDISTFGSDL

ClinVar aggregate classification (germline): Uncertain significance (1 of 4 stars; one submission).

Submission:

Labcorp Genetics (formerly Invitae), Labcorp
Classification: Uncertain significance. Last evaluated: 2024-08-01. Review status: criteria provided, single submitter. Criteria: Invitae Variant Classification Sherloc (09022015). Collection method: clinical testing. Allele origin: germline.
Comment: This sequence change replaces proline, which is neutral and non-polar, with serine, which is neutral and polar, at codon 1661 of the POLE protein (p.Pro1661Ser). This variant is not present in population databases (gnomAD no frequency). This variant has not been reported in the literature in individuals affected with POLE-related conditions. Advanced modeling of protein sequence and biophysical properties (such as structural, functional, and spatial information, amino acid conservation, physicochemical variation, residue mobility, and thermodynamic stability) performed at Invitae indicates that this missense variant is not expected to disrupt POLE protein function with a negative predictive value of 80%. In summary, the available evidence is currently insufficient to determine the role of this variant in disease. Therefore, it has been classified as a Variant of Uncertain Significance.